The following is an entry in ClinVar:

NM_003631.5(PARG):c.2731A>G (p.Ile911Val)

Gene: PARG (poly(ADP-ribose) glycohydrolase; minus strand). Cytogenetic location: 10q11.23.
Variant type: single nucleotide variant.
Coding change: c.2731A>G on transcript NM_003631.5 (MANE Select); coding-DNA position 2731, A replaced by G.
Protein change: p.Ile911Val; replaces isoleucine 911 with valine.
Molecular consequence: missense variant. On other transcripts: non-coding transcript variant (7).
Genome position (GRCh38, 1-based): chr10:49,820,210, T>C on the plus strand (A>G on the coding strand, the complement: PARG is on the minus strand). VCF-style: chr10-49820210-T-C. GRCh37 (hg19) VCF-style: chr10-51028256-T-C.
Other names: c.2485A>G, p.Ile829Val (NM_001303486.3, NM_001324381.3); c.2407A>G, p.Ile803Val (NM_001303487.3); c.1489A>G, p.Ile497Val (NM_001303489.3); short protein forms I803V, I829V, I911V, I497V.
Identifiers: ClinVar variation 2354976 (VCV002354976.2), dbSNP rs200756667, ClinGen allele CA5499115.

ClinVar aggregate classification (germline): Uncertain significance (1 of 4 stars; one submission).

Allele frequency attached by ClinVar (database versions not stated): TOPMed 0.00026; gnomAD 0.00031; gnomAD exomes 0.00034; ExAC 0.00041; ESP Exome Variant Server 0.00044.
gnomAD v4.1: 521 of 1,546,590 alleles (0.034%); highest among the groups gnomAD compares: Non-Finnish European, 0.038%; 1 homozygote.

Submission:

Ambry Genetics
Classification: Uncertain significance. Last evaluated: 2021-07-06. Review status: criteria provided, single submitter. Criteria: Ambry Variant Classification Scheme 2023. Collection method: clinical testing. Allele origin: germline.
Comment: The c.2731A>G (p.I911V) alteration is located in exon (coding exon ) of the PARG gene. This alteration results from a A to G substitution at nucleotide position 2731, causing the isoleucine (I) at amino acid position 911 to be replaced by a valine (V). Based on insufficient or conflicting evidence, the clinical significance of this alteration remains unclear.